The following is an entry in ClinVar:

NM_000092.5(COL4A4):c.3454C>T (p.Pro1152Ser)

Gene: COL4A4 (collagen type IV alpha 4 chain; minus strand). Cytogenetic location: 2q36.3.
Variant type: single nucleotide variant.
Coding change: c.3454C>T on transcript NM_000092.5 (MANE Select); coding-DNA position 3454, C replaced by T.
Protein change: p.Pro1152Ser; replaces proline 1152 with serine.
Molecular consequence: missense variant.
Genome position (GRCh38, 1-based): chr2:227,042,199, G>A on the plus strand (C>T on the coding strand, the complement: COL4A4 is on the minus strand). VCF-style: chr2-227042199-G-A. GRCh37 (hg19) VCF-style: chr2-227906915-G-A.
Other names: short protein forms P1152S.
Identifiers: ClinVar variation 4756053 (VCV004756053.1).

ClinVar aggregate classification (germline): Uncertain significance (1 of 4 stars; one submission).

gnomAD v4.1: 3 of 1,613,664 alleles (0.00019%); highest among the groups gnomAD compares: Non-Finnish European, 0.00025%; no homozygotes.

Submission:

GeneDx
Classification: Uncertain significance. Last evaluated: 2025-08-07. Review status: criteria provided, single submitter. Criteria: GeneDx Variant Classification Process June 2021. Collection method: clinical testing. Allele origin: germline. Affected: yes.
Comment: Not observed at significant frequency in large population cohorts (gnomAD); In silico analysis suggests that this missense variant does not alter protein structure/function; Has not been previously published as pathogenic or benign to our knowledge; Occurs in the triple helical domain at the X position in the canonical Gly-X-Y repeat; although this variant may have an effect on normal protein folding and function, missense substitution at the X position is not a common mechanism of disease